The following is an entry in ClinVar:

ClinVar aggregate classification (germline): Uncertain significance (1 of 4 stars; one submission).

Submission:

Ambry Genetics
Classification: Uncertain significance. Last evaluated: 2025-11-11. Review status: criteria provided, single submitter. Criteria: Ambry Variant Classification Scheme 2023. Collection method: clinical testing. Allele origin: germline.
Comment: The p.E505D variant (also known as c.1515A>T), located in coding exon 12 of the RECQL gene, results from an A to T substitution at nucleotide position 1515. The glutamic acid at codon 505 is replaced by aspartic acid, an amino acid with highly similar properties. This amino acid position is conserved. In addition, this alteration is predicted to be tolerated by in silico analysis. Since supporting evidence is limited at this time, the clinical significance of this alteration remains unclear.

NM_002907.4(RECQL):c.1515A>T (p.Glu505Asp)

Gene: RECQL (RecQ like helicase; minus strand). Cytogenetic location: 12p12.1.
Variant type: single nucleotide variant.
Coding change: c.1515A>T on transcript NM_002907.4 (MANE Select); coding-DNA position 1515, A replaced by T.
Protein change: p.Glu505Asp; replaces glutamic acid 505 with aspartic acid.
Molecular consequence: missense variant.
Genome position (GRCh38, 1-based): chr12:21,471,580, T>A on the plus strand (A>T on the coding strand, the complement: RECQL is on the minus strand). VCF-style: chr12-21471580-T-A. GRCh37 (hg19) VCF-style: chr12-21624514-T-A.
Other names: c.1515A>T, p.Glu505Asp (NM_032941.3); short protein forms E505D.
Identifiers: ClinVar variation 2450961 (VCV002450961.3), dbSNP rs2540321983, ClinGen allele CA384116246.